The following is an entry in ClinVar:

NM_000016.6(ACADM):c.30+1G>T

Gene: ACADM (acyl-CoA dehydrogenase medium chain; plus strand). Cytogenetic location: 1p31.1.
Variant type: single nucleotide variant.
Coding change: c.30+1G>T on transcript NM_000016.6 (MANE Select); the canonical splice donor site of the intron after coding-DNA position 30, G replaced by T.
Molecular consequence: splice donor variant.
Genome position (GRCh38, 1-based): chr1:75,724,818, G>T. VCF-style: chr1-75724818-G-T. GRCh37 (hg19) VCF-style: chr1-76190503-G-T.
Other names: c.30+1G>T (NM_001127328.3, NM_001286043.2); c.10+1G>T (NM_001286042.2); c.-268+1G>T (NM_001286044.2).
Identifiers: ClinVar variation 4064366 (VCV004064366.2).

ClinVar aggregate classification (germline): Pathogenic (1 of 4 stars; one submission).

Conditions:
Medium-chain acyl-coenzyme A dehydrogenase deficiency (ACADMD). Also called: ACADM DEFICIENCY; CARNITINE DEFICIENCY SECONDARY TO MEDIUM-CHAIN ACYL-CoA DEHYDROGENASE DEFICIENCY; MCADH DEFICIENCY; MCADD; Medium chain acyl-CoA dehydrogenase deficiency; MCAD Deficiency. Identifiers: Orphanet 42, MedGen C0220710, MONDO:0008721, OMIM 201450.

Submission:

Natera, Inc.
Classification: Pathogenic for Medium Chain Acyl-CoA Dehydrogenase Deficiency. Last evaluated: 2025-05-12. Review status: criteria provided, single submitter. Criteria: Natera Variant Classification Schema (03/2026). Collection method: clinical testing. Allele origin: germline.
Comment: The c.30+1G>T variant in ACADM is a canonical splice donor site variant predicted to affect pre-mRNA splicing, which may result in an abnormal transcript and altered protein product. This variant is expected to result in nonsense mediated decay, truncation, or a dysfunctional protein product. This variant is rare in the general population with a frequency below the threshold expected for the associated phenotype(s). This variant has been observed in one or more individuals affected with the associated recessive disease, as either homozygous or compound heterozygous with a second variant (PMID: 32793418). Given the available evidence, this variant is classified as Pathogenic.

Literature cited by the submitters: PubMed 32793418.